The following is an entry in ClinVar:

NM_152732.5(RSPH9):c.271G>C (p.Glu91Gln)

Gene: RSPH9 (radial spoke head component 9; plus strand). Cytogenetic location: 6p21.1.
Variant type: single nucleotide variant.
Coding change: c.271G>C on transcript NM_152732.5 (MANE Select); coding-DNA position 271, G replaced by C.
Protein change: p.Glu91Gln; replaces glutamic acid 91 with glutamine.
Molecular consequence: missense variant. On other transcripts: non-coding transcript variant (1).
Genome position (GRCh38, 1-based): chr6:43,650,418, G>C. VCF-style: chr6-43650418-G-C. GRCh37 (hg19) VCF-style: chr6-43618155-G-C.
Other names: c.271G>C, p.Glu91Gln (NM_001193341.2, NM_001424119.1, NM_001424120.1 and 1 more transcripts); short protein forms E91Q.
Identifiers: ClinVar variation 1408243 (VCV001408243.7), dbSNP rs2127891420, ClinGen allele CA364288468.

ClinVar aggregate classification (germline): Uncertain significance (1 of 4 stars; one submission).

Conditions:
Primary ciliary dyskinesia. Also called: Ciliary dyskinesia. Identifiers: Orphanet 244, MedGen C0008780, MONDO:0016575, HP:0012265.

Submission:

Labcorp Genetics (formerly Invitae), Labcorp
Classification: Uncertain significance for Primary ciliary dyskinesia. Last evaluated: 2021-07-30. Review status: criteria provided, single submitter. Criteria: Invitae Variant Classification Sherloc (09022015). Collection method: clinical testing. Allele origin: germline.
Comment: In summary, the available evidence is currently insufficient to determine the role of this variant in disease. Therefore, it has been classified as a Variant of Uncertain Significance. Algorithms developed to predict the effect of missense changes on protein structure and function (SIFT, PolyPhen-2, Align-GVGD) all suggest that this variant is likely to be tolerated. This variant has not been reported in the literature in individuals affected with RSPH9-related conditions. This variant is not present in population databases (ExAC no frequency). This sequence change replaces glutamic acid with glutamine at codon 91 of the RSPH9 protein (p.Glu91Gln). The glutamic acid residue is moderately conserved and there is a small physicochemical difference between glutamic acid and glutamine.